The following is an entry in ClinVar:

ClinVar aggregate classification (germline): Uncertain significance (1 of 4 stars; one submission).

Conditions:
Chédiak-Higashi syndrome (CHS). Also called: Chediak-Higashi Syndrome. Identifiers: Orphanet 167, MedGen C0007965, MONDO:0008963, OMIM 214500.

Submission:

Labcorp Genetics (formerly Invitae), Labcorp
Classification: Uncertain significance for Chédiak-Higashi syndrome. Last evaluated: 2022-04-07. Review status: criteria provided, single submitter. Criteria: Invitae Variant Classification Sherloc (09022015). Collection method: clinical testing. Allele origin: germline.
Comment: Algorithms developed to predict the effect of missense changes on protein structure and function are either unavailable or do not agree on the potential impact of this missense change (SIFT: "Deleterious"; PolyPhen-2: "Probably Damaging"; Align-GVGD: "Class C0"). In summary, the available evidence is currently insufficient to determine the role of this variant in disease. Therefore, it has been classified as a Variant of Uncertain Significance. This variant has not been reported in the literature in individuals affected with LYST-related conditions. This variant is not present in population databases (gnomAD no frequency). This sequence change replaces leucine, which is neutral and non-polar, with arginine, which is basic and polar, at codon 367 of the LYST protein (p.Leu367Arg).

NM_000081.4(LYST):c.1100T>G (p.Leu367Arg)

Gene: LYST (lysosomal trafficking regulator; minus strand). Cytogenetic location: 1q42.3.
Variant type: single nucleotide variant.
Coding change: c.1100T>G on transcript NM_000081.4 (MANE Select); coding-DNA position 1100, T replaced by G.
Protein change: p.Leu367Arg; replaces leucine 367 with arginine.
Molecular consequence: missense variant.
Genome position (GRCh38, 1-based): chr1:235,809,718, A>C on the plus strand (T>G on the coding strand, the complement: LYST is on the minus strand). VCF-style: chr1-235809718-A-C. GRCh37 (hg19) VCF-style: chr1-235973018-A-C.
Other names: c.1100T>G, p.Leu367Arg (NM_001301365.1); short protein forms L367R.
Identifiers: ClinVar variation 2122742 (VCV002122742.4), dbSNP rs2527120487, ClinGen allele CA344963160.